The following is an entry in ClinVar:

ClinVar aggregate classification (germline): Uncertain significance (1 of 4 stars; one submission).

Submission:

Greenwood Genetic Center Diagnostic Laboratories, Greenwood Genetic Center
Classification: Uncertain significance. Last evaluated: 2026-04-01. Review status: criteria provided, single submitter. Criteria: ACMG Guidelines, 2015. Collection method: clinical testing. Allele origin: germline.
Comment: PM2, PM5_Supporting, PP2, PP3

NM_001393504.1(MAST3):c.398C>G (p.Ser133Trp)

Genes: MAST3 (microtubule associated serine/threonine kinase 3; plus strand), LOC126862876 (BRD4-independent group 4 enhancer GRCh37_chr19:18232970-18234169; plus strand). Cytogenetic location: 19p13.11.
Variant type: single nucleotide variant.
Coding change: c.398C>G on transcript NM_001393504.1 (MANE Select); coding-DNA position 398, C replaced by G.
Protein change: p.Ser133Trp; replaces serine 133 with tryptophan.
Molecular consequence: missense variant.
Genome position (GRCh38, 1-based): chr19:18,122,750, C>G. VCF-style: chr19-18122750-C-G. GRCh37 (hg19) VCF-style: chr19-18233560-C-G.
Other names: c.422C>G, p.Ser141Trp (NM_001393501.1); c.401C>G, p.Ser134Trp (NM_001393502.1); c.398C>G, p.Ser133Trp (NM_001393503.1); c.395C>G, p.Ser132Trp (NM_001393505.1); c.350C>G, p.Ser117Trp (NM_001393506.1, NM_001393513.1); c.377C>G, p.Ser126Trp (NM_001393507.1); c.332C>G, p.Ser111Trp (NM_001393508.1, NM_001393516.1); c.329C>G, p.Ser110Trp (NM_001393509.1, NM_001393510.1, NM_001393512.1 and 2 more transcripts); and 4 more; short protein forms S103W, S104W, S109W, S110W, S111W, S117W, S126W, S132W.
Identifiers: ClinVar variation 4891109 (VCV004891109.1).